The following is an entry in ClinVar:

ClinVar aggregate classification (germline): Conflicting classifications of pathogenicity. Review status: criteria provided, conflicting classifications (1 of 4 stars). 5 submissions from 5 submitters: Uncertain significance (3); Likely benign (2). Last evaluated 2025-11-16.

Conditions:
Dilated cardiomyopathy 1JJ (CMD1JJ). Identifiers: Orphanet 154, MedGen C3808935, MONDO:0014095, OMIM 615235.
Cardiovascular phenotype. Identifiers: MedGen CN230736.
Cardiomyopathy (CMYO). Also called: Cardiomyopathies. Identifiers: Orphanet 167848, MedGen C0878544, MONDO:0004994, HP:0001638. Inheritance: Various modes of inheritance.

Allele frequency attached by ClinVar (database versions not stated): gnomAD exomes 0.00003 and 0.00012; gnomAD 0.00006; TOPMed 0.00013; ESP Exome Variant Server 0.00015; 1000 Genomes Project 30x 0.00016; 1000 Genomes Project 0.00020; ExAC 0.00024.
gnomAD v4.1: 55 of 1,586,456 alleles (0.0035%); highest among the groups gnomAD compares: East Asian, 0.028%; no homozygotes.

Submissions (5):

Labcorp Genetics (formerly Invitae), Labcorp
Classification: Uncertain significance for Dilated cardiomyopathy 1JJ. Last evaluated: 2025-11-16. Review status: criteria provided, single submitter. Criteria: Invitae Variant Classification Sherloc (09022015). Collection method: clinical testing. Allele origin: germline.
Comment: This sequence change replaces alanine, which is neutral and non-polar, with valine, which is neutral and non-polar, at codon 56 of the LAMA4 protein (p.Ala56Val). This variant is present in population databases (rs372763422, gnomAD 0.07%), and has an allele count higher than expected for a pathogenic variant. This variant has not been reported in the literature in individuals affected with LAMA4-related conditions. ClinVar contains an entry for this variant (Variation ID: 541220). An algorithm developed to predict the effect of missense changes on protein structure and function outputs the following: PolyPhen-2: "Benign". The valine amino acid residue is found in multiple mammalian species, which suggests that this missense change does not adversely affect protein function. In summary, the available evidence is currently insufficient to determine the role of this variant in disease. Therefore, it has been classified as a Variant of Uncertain Significance.

Ambry Genetics
Classification: Likely benign for Cardiovascular phenotype. Last evaluated: 2024-12-20. Review status: criteria provided, single submitter. Criteria: Ambry Variant Classification Scheme 2023. Collection method: clinical testing. Allele origin: germline.

Fulgent Genetics
Classification: Uncertain significance for Dilated cardiomyopathy 1JJ. Last evaluated: 2021-10-01. Review status: criteria provided, single submitter. Criteria: ACMG Guidelines, 2015. Collection method: clinical testing. Allele origin: unknown.

GeneDx
Classification: Uncertain significance. Last evaluated: 2021-08-06. Review status: criteria provided, single submitter. Criteria: GeneDx Variant Classification Process June 2021. Collection method: clinical testing. Allele origin: germline. Affected: yes.
Comment: Has not been previously published as pathogenic or benign to our knowledge Observed in 0.011% (26/229,608) alleles in large population cohorts (Lek et al., 2016) In silico analysis, which includes protein predictors and evolutionary conservation, supports a deleterious effect

CHEO Genetics Diagnostic Laboratory, Children's Hospital of Eastern Ontario
Classification: Likely benign for Cardiomyopathy. Last evaluated: 2021-06-09. Review status: criteria provided, single submitter. Criteria: ACMG Guidelines, 2015. Collection method: clinical testing. Allele origin: germline.

NM_001105206.3(LAMA4):c.167C>T (p.Ala56Val)

Genes: LAMA4 (laminin subunit alpha 4; minus strand), LAMA4-AS1 (LAMA4 antisense RNA 1; plus strand). Cytogenetic location: 6q21.
Variant type: single nucleotide variant.
Coding change: c.167C>T on transcript NM_001105206.3 (MANE Select); coding-DNA position 167, C replaced by T.
Protein change: p.Ala56Val; replaces alanine 56 with valine.
Molecular consequence: missense variant.
Genome position (GRCh38, 1-based): chr6:112,253,984, G>A on the plus strand (C>T on the coding strand, the complement: LAMA4 is on the minus strand). VCF-style: chr6-112253984-G-A. GRCh37 (hg19) VCF-style: chr6-112575186-G-A.
Other names: c.167C>T (NM_001105206.2); c.167C>T, p.Ala56Val (NM_001105207.3, NM_001105208.3, NM_001105209.3 and 1 more transcripts); short protein forms A56V.
Identifiers: ClinVar variation 541220 (VCV000541220.18), dbSNP rs372763422, ClinGen allele CA3966324.